The following is an entry in ClinVar:

NM_001164508.2(NEB):c.6813_6814del (p.Leu2271_Tyr2272insTer)

Gene: NEB (nebulin; minus strand). Cytogenetic location: 2q23.3.
Variant type: Microsatellite.
Coding change: c.6813_6814del on transcript NM_001164508.2 (MANE Select); coding-DNA positions 6813 to 6814, 2 bases deleted (CT; older notation c.6813_6814delCT).
Protein change: p.Leu2271_Tyr2272insTer.
Molecular consequence: frameshift variant.
Genome position (GRCh38, 1-based): chr2:151,654,093-151,654,094, AG deleted on the plus strand (CT on the coding strand, the reverse complement: NEB is on the minus strand); deleting any 2 consecutive bases within chr2:151,654,093-151,654,096 gives the same sequence; the c. name uses the placement nearest the transcript's 3' end. VCF-style (leftmost placement, unchanged base first): chr2-151654092-TAG-T. GRCh37 (hg19) VCF-style: chr2-152510606-TAG-T.
Other names: c.6813_6814del, p.Leu2271_Tyr2272insTer (NM_001164507.2, NM_001271208.2, NM_004543.5); c.6813_6814delCT (NM_001271208.1); c.6813_6814del (NM_001271208.1).
Identifiers: ClinVar variation 552041 (VCV000552041.6), dbSNP rs1180339426, ClinGen allele CA658822223.

ClinVar aggregate classification (germline): Pathogenic/Likely pathogenic. Review status: criteria provided, multiple submitters, no conflicts (2 of 4 stars). 3 submissions from 3 submitters: Pathogenic (1); Likely pathogenic (1). 1 of the submissions does not count toward it. Last evaluated 2022-12-20.

Conditions:
Arthrogryposis multiplex congenita 6. Identifiers: MedGen C5543431, MONDO:0030281, OMIM 619334.
Nemaline myopathy 2 (NEM2). Also called: Nemaline myopathy 2, autosomal recessive. Identifiers: MedGen C1850569, MONDO:0009725, OMIM 256030.

Submissions (3):

Baylor Genetics
Classification: Likely pathogenic for Arthrogryposis multiplex congenita 6. Last evaluated: 2022-12-20. Review status: criteria provided, single submitter. Criteria: ACMG Guidelines, 2015. Collection method: clinical testing. Allele origin: unknown.

Labcorp Genetics (formerly Invitae), Labcorp
Classification: Pathogenic for Nemaline myopathy 2. Last evaluated: 2022-11-07. Review status: criteria provided, single submitter. Criteria: Invitae Variant Classification Sherloc (09022015). Collection method: clinical testing. Allele origin: germline.
Comment: This sequence change creates a premature translational stop signal (p.Tyr2272*) in the NEB gene. It is expected to result in an absent or disrupted protein product. Loss-of-function variants in NEB are known to be pathogenic (PMID: 25205138). This variant is not present in population databases (gnomAD no frequency). This variant has not been reported in the literature in individuals affected with NEB-related conditions. ClinVar contains an entry for this variant (Variation ID: 552041). For these reasons, this variant has been classified as Pathogenic.

Counsyl
Classification: Likely pathogenic for Nemaline myopathy 2. Last evaluated: 2017-05-19. Review status: no assertion criteria provided. Collection method: clinical testing. Allele origin: unknown. Not counted in ClinVar's aggregate classification.

Literature cited by the submitters: PubMed 25205138 (cited by Labcorp Genetics (formerly Invitae), Labcorp).